The following is an entry in ClinVar:

ClinVar aggregate classification (germline): Pathogenic. Review status: reviewed by expert panel (3 of 4 stars). 3 submissions from 3 submitters: Pathogenic (1). 2 of the submissions do not count toward it. Last evaluated 2017-12-15.

Conditions:
Breast-ovarian cancer, familial, susceptibility to, 1 (BROVCA1). Also called: BRCA1 Hereditary Breast and Ovarian Cancer; OVARIAN CANCER, SUSCEPTIBILITY TO. Identifiers: Orphanet 145, MedGen C2676676, MONDO:0011450, OMIM 604370. Disease mechanism: loss of function.

Submissions (3):

Evidence-based Network for the Interpretation of Germline Mutant Alleles (ENIGMA)
Classification: Pathogenic for Breast-ovarian cancer, familial, susceptibility to, 1. Last evaluated: 2017-12-15. Review status: reviewed by expert panel. Criteria: ENIGMA BRCA1/2 Classification Criteria (2017-06-29). Collection method: curation. Allele origin: germline. Study: ENIGMA.
Comment: Variant allele predicted to encode a truncated non-functional protein.

Baylor Genetics
Classification: Likely pathogenic for Breast-ovarian cancer, familial, susceptibility to, 1. Last evaluated: 2024-02-10. Review status: criteria provided, single submitter. Criteria: ACMG Guidelines, 2015. Collection method: clinical testing. Allele origin: unknown. Not counted in ClinVar's aggregate classification.

GeneDx
Classification: Likely pathogenic. Last evaluated: 2015-10-22. Review status: criteria provided, single submitter. Criteria: GeneDx Variant Classification (06012015). Collection method: clinical testing. Allele origin: germline. Affected: yes. Not counted in ClinVar's aggregate classification.
Comment: This duplication of 4 nucleotides in BRCA1 is denoted c.5054_5057dupCTCA at the cDNA level and p.Val1687SerfsX9 (V1687SfsX9) at the protein level. The normal sequence, with the bases that are duplicated in braces, is ACTA[CTCA]TGTT. The duplication causes a frameshift, which changes a Valine to a Serine at codon 1687, and creates a premature stop codon at position 9 of the new reading frame. Although this variant has not, to our knowledge, been reported in the literature, it is predicted to cause loss of normal protein function through either protein truncation or nonsense-mediated mRNA decay. Based on the currently available information, we consider this duplication to be a likely pathogenic variant.

NM_007294.4(BRCA1):c.5054_5057dup (p.Val1687fs)

Gene: BRCA1 (BRCA1 DNA repair associated; minus strand). Cytogenetic location: 17q21.31.
Variant type: Duplication.
Coding change: c.5054_5057dup on transcript NM_007294.4 (MANE Select); coding-DNA positions 5054 to 5057, 4 bases duplicated (CTCA; older notation c.5054_5057dupCTCA).
Protein change: p.Val1687fs; shifts the reading frame from valine 1687.
Molecular consequence: frameshift variant. On other transcripts: non-coding transcript variant (1).
Genome position (GRCh38, 1-based): chr17:43,067,625-43,067,628, TGAG duplicated on the plus strand (CTCA on the coding strand, the reverse complement: BRCA1 is on the minus strand); duplicating any 4 consecutive bases within chr17:43,067,625-43,067,629 gives the same sequence; the c. name uses the placement nearest the transcript's 3' end. VCF-style (leftmost placement, unchanged base first): chr17-43067624-A-ATGAG. GRCh37 (hg19) VCF-style: chr17-41219641-A-ATGAG.
Other names: c.5054_5057dupCTCA (NM_007294.3); c.4837_4840dup, p.Val1615Serfs (NM_001407918.1, NM_001407915.1, NM_001407916.1 and 1 more transcripts); c.4930_4933dup, p.Val1646Serfs (NM_001407919.1, NM_001407937.1, NM_001407938.1 and 6 more transcripts); c.4789_4792dup, p.Val1599Serfs (NM_001407920.1, NM_001407921.1, NM_001407922.1 and 4 more transcripts); c.4786_4789dup, p.Val1598Serfs (NM_001407927.1, NM_001407928.1, NM_001407929.1 and 4 more transcripts); c.4783_4786dup, p.Val1597Serfs (NM_001407934.1, NM_001407935.1, NM_001407936.1); c.4927_4930dup, p.Val1645Serfs (NM_001407939.1, NM_001407940.1, NM_001407670.1 and 11 more transcripts); c.4924_4927dup, p.Val1644Serfs (NM_001407941.1, NM_001407681.1, NM_001407682.1 and 6 more transcripts); and 74 more; short protein forms V1640fs, V1708fs, V1687fs, V583fs.
Identifiers: ClinVar variation 246021 (VCV000246021.5), dbSNP rs879254050, ClinGen allele CA10584549.